The following is an entry in ClinVar:

ClinVar aggregate classification (germline): Uncertain significance. Review status: criteria provided, multiple submitters, no conflicts (2 of 4 stars). 2 submissions from 2 submitters: Uncertain significance (2). Last evaluated 2024-12-06.

Conditions:
Inborn genetic diseases. Identifiers: MedGen C0950123, MeSH D030342.

gnomAD v4.1: 12 of 1,613,438 alleles (0.00074%); highest among the groups gnomAD compares: African/African-American, 0.0013%; no homozygotes.

Submissions (2):

Ambry Genetics
Classification: Uncertain significance for Inborn genetic diseases. Last evaluated: 2024-12-06. Review status: criteria provided, single submitter. Criteria: Ambry Variant Classification Scheme 2023. Collection method: clinical testing. Allele origin: germline.
Comment: The p.L905P variant (also known as c.2714T>C), located in coding exon 1 of the SAMD9 gene, results from a T to C substitution at nucleotide position 2714. The leucine at codon 905 is replaced by proline, an amino acid with similar properties. This amino acid position is conserved. In addition, the in silico prediction for this alteration is inconclusive. Based on the available evidence, the clinical significance of this variant remains unclear.

Labcorp Genetics (formerly Invitae), Labcorp
Classification: Uncertain significance. Last evaluated: 2024-02-06. Review status: criteria provided, single submitter. Criteria: Invitae Variant Classification Sherloc (09022015). Collection method: clinical testing. Allele origin: germline.
Comment: This sequence change replaces leucine, which is neutral and non-polar, with proline, which is neutral and non-polar, at codon 905 of the SAMD9 protein (p.Leu905Pro). This variant is not present in population databases (gnomAD no frequency). This variant has not been reported in the literature in individuals affected with SAMD9-related conditions. Advanced modeling of protein sequence and biophysical properties (such as structural, functional, and spatial information, amino acid conservation, physicochemical variation, residue mobility, and thermodynamic stability) has been performed at Invitae for this missense variant, however the output from this modeling did not meet the statistical confidence thresholds required to predict the impact of this variant on SAMD9 protein function. In summary, the available evidence is currently insufficient to determine the role of this variant in disease. Therefore, it has been classified as a Variant of Uncertain Significance.

NM_017654.4(SAMD9):c.2714T>C (p.Leu905Pro)

Gene: SAMD9 (sterile alpha motif domain containing 9; minus strand). Cytogenetic location: 7q21.2.
Variant type: single nucleotide variant.
Coding change: c.2714T>C on transcript NM_017654.4 (MANE Select); coding-DNA position 2714, T replaced by C.
Protein change: p.Leu905Pro; replaces leucine 905 with proline.
Molecular consequence: missense variant.
Genome position (GRCh38, 1-based): chr7:93,103,384, A>G on the plus strand (T>C on the coding strand, the complement: SAMD9 is on the minus strand). VCF-style: chr7-93103384-A-G. GRCh37 (hg19) VCF-style: chr7-92732697-A-G.
Other names: c.2714T>C, p.Leu905Pro (NM_001193307.2); short protein forms L905P.
Identifiers: ClinVar variation 3437087 (VCV003437087.3).